The following is an entry in ClinVar:

ClinVar aggregate classification (germline): Pathogenic (1 of 4 stars; one submission).

Conditions:
Werner syndrome (WRN). Identifiers: Orphanet 902, MedGen C0043119, MONDO:0010196, OMIM 277700.

Submission:

Labcorp Genetics (formerly Invitae), Labcorp
Classification: Pathogenic for Werner syndrome. Last evaluated: 2025-07-13. Review status: criteria provided, single submitter. Criteria: Invitae Variant Classification Sherloc (09022015). Collection method: clinical testing. Allele origin: germline.
Comment: This sequence change creates a premature translational stop signal (p.Ser1013Leufs*12) in the WRN gene. It is expected to result in an absent or disrupted protein product. Loss-of-function variants in WRN are known to be pathogenic (PMID: 16673358). This variant is not present in population databases (gnomAD no frequency). This premature translational stop signal has been observed in individual(s) with Werner syndrome (PMID: 10811130). This variant is also known as c.3265-3266delGA. For these reasons, this variant has been classified as Pathogenic.

Literature cited by the submitters: PubMed 16673358; PubMed 10811130.

NM_000553.6(WRN):c.3037_3038del (p.Ser1013fs)

Gene: WRN (WRN RecQ like helicase; plus strand). Cytogenetic location: 8p12.
Variant type: Microsatellite.
Coding change: c.3037_3038del on transcript NM_000553.6 (MANE Select); coding-DNA positions 3037 to 3038, 2 bases deleted (AG; older notation c.3037_3038delAG).
Protein change: p.Ser1013fs; shifts the reading frame from serine 1013.
Molecular consequence: frameshift variant.
Genome position (GRCh38, 1-based): chr8:31,141,499-31,141,500, AG deleted; deleting any 2 consecutive bases within chr8:31,141,495-31,141,500 gives the same sequence; the c. name uses the placement nearest the transcript's 3' end. VCF-style (leftmost placement, unchanged base first): chr8-31141494-CAG-C. GRCh37 (hg19) VCF-style: chr8-30999010-CAG-C.
Other names: short protein forms S1013fs.
Identifiers: ClinVar variation 458440 (VCV000458440.5), dbSNP rs759972548, ClinGen allele CA4704923.